The following is an entry in ClinVar:

NM_003002.4(SDHD):c.304C>T (p.His102Tyr)

Gene: SDHD (succinate dehydrogenase complex subunit D; plus strand). Cytogenetic location: 11q23.1.
Variant type: single nucleotide variant.
Coding change: c.304C>T on transcript NM_003002.4 (MANE Select); coding-DNA position 304, C replaced by T.
Protein change: p.His102Tyr; replaces histidine 102 with tyrosine.
Molecular consequence: missense variant. On other transcripts: non-coding transcript variant (1), intron variant (1).
Genome position (GRCh38, 1-based): chr11:112,089,001, C>T. VCF-style: chr11-112089001-C-T. GRCh37 (hg19) VCF-style: chr11-111959725-C-T.
Other names: c.187C>T, p.His63Tyr (NM_001276504.2); c.304C>T, p.His102Tyr (NM_001276506.2); c.169+1028C>T (NM_001276503.2); short protein forms H63Y, H102Y.
Identifiers: ClinVar variation 846101 (VCV000846101.13), dbSNP rs786202403, ClinGen allele CA382617413.

ClinVar aggregate classification (germline): Pathogenic/Likely pathogenic. Review status: criteria provided, multiple submitters, no conflicts (2 of 4 stars). 2 submissions from 2 submitters: Pathogenic (1); Likely pathogenic (1). Last evaluated 2020-02-17.

Conditions:
Pheochromocytoma. Also called: MAX-Related Hereditary Paraganglioma-Pheochromocytoma Syndrome. Identifiers: Orphanet 29072, MedGen C0031511, MONDO:0008233, OMIM 171300, HP:0002666.
Paragangliomas with sensorineural hearing loss. Identifiers: MedGen C1868633.
Cowden syndrome 3 (CWS3). Identifiers: Orphanet 201, MedGen CN166604, MONDO:0014045.
Carney-Stratakis syndrome. Also called: PARAGANGLIOMA AND GASTROINTESTINAL STROMAL TUMOR. Identifiers: Orphanet 97286, MedGen C1847319, MONDO:0011740, OMIM 606864.
Hereditary cancer-predisposing syndrome. Also called: Tumor predisposition; Hereditary neoplastic syndrome; Neoplastic Syndromes, Hereditary; Hereditary Cancer Syndrome. Identifiers: Orphanet 140162, MedGen C0027672, MeSH D009386, MONDO:0015356.

Submissions (2):

Ambry Genetics
Classification: Pathogenic for Hereditary cancer-predisposing syndrome. Last evaluated: 2020-02-17. Review status: criteria provided, single submitter. Criteria: Ambry Variant Classification Scheme 2023. Collection method: clinical testing. Allele origin: germline.
Comment: The p.H102Y pathogenic mutation (also known as c.304C>T), located in coding exon 3 of the SDHD gene, results from a C to T substitution at nucleotide position 304. The histidine at codon 102 is replaced by tyrosine, an amino acid with few similar properties. This variant has been reported in multiple individuals with a clinical diagnossis of paraganglioma-pheochromocytoma (PGL/PCC) syndrome (Piccini V et al. Endocr. Relat. Cancer. 2012 Apr;19(2):149-55; Bacca A et al. Head Neck. 2013 Jan;35(1):23-7; Benn DE et al. Endocr. Relat. Cancer. 2015 Aug;22:T91-103). Several other variants at the same codon (p.H102L, p.H102R, p.H102Y, and p.H102P) have been described in individuals with head and neck paraganglioma (Poeppel TD et al J. Clin. Oncol. 2011 Nov;29(33):e812-5; Piccini V et al. Endocr. Relat. Cancer. 2012 Apr;19(2):149-55; Baysal BE et al. Science. 2000 Feb;287(5454):848-51; Burnichon N et al. J. Clin. Endocrinol. Metab. 2009 Aug;94(8):2817-27). Based on internal structural analysis, this variant is anticipated to disrupt a region of known function (Ambry internal data; Sun F et al. Cell. 2005 Jul;121(7):1043-57; Zhou Q et al. Protein Cell. 2011 Jul;2(7):531-42). Based on the supporting evidence, this alteration is interpreted as a disease-causing mutation.

Labcorp Genetics (formerly Invitae), Labcorp
Classification: Likely pathogenic for Carney-Stratakis syndrome; Paragangliomas with sensorineural hearing loss; Pheochromocytoma; Cowden syndrome 3. Last evaluated: 2019-11-25. Review status: criteria provided, single submitter. Criteria: Invitae Variant Classification Sherloc (09022015). Collection method: clinical testing. Allele origin: germline.
Comment: This variant is not present in population databases (ExAC no frequency). In summary, the currently available evidence indicates that the variant is pathogenic, but additional data are needed to prove that conclusively. Therefore, this variant has been classified as Likely Pathogenic. This variant disrupts the p.His102 amino acid residue in SDHD. Other variant(s) that disrupt this residue have been determined to be pathogenic (PMID: 10657297, 12811540, 19454582, 22025150, 22241717). This suggests that this residue is clinically significant, and that variants that disrupt this residue are likely to be disease-causing. Algorithms developed to predict the effect of missense changes on protein structure and function (SIFT, PolyPhen-2, Align-GVGD) all suggest that this variant is likely to be disruptive, but these predictions have not been confirmed by published functional studies and their clinical significance is uncertain. This variant has been observed in individual(s) with paraganglioma-pheochromocytoma syndrome (PMID: 22241717, Invitae). This sequence change replaces histidine with tyrosine at codon 102 of the SDHD protein (p.His102Tyr). The histidine residue is highly conserved and there is a moderate physicochemical difference between histidine and tyrosine.

Literature cited by the submitters: PubMed 22241717 (cited by Ambry Genetics and Labcorp Genetics (formerly Invitae), Labcorp); PubMed 22290790 (cited by Ambry Genetics); PubMed 26273102 (cited by Ambry Genetics); PubMed 10657297 (cited by Labcorp Genetics (formerly Invitae), Labcorp); PubMed 12811540 (cited by Labcorp Genetics (formerly Invitae), Labcorp); PubMed 19454582 (cited by Labcorp Genetics (formerly Invitae), Labcorp); PubMed 22025150 (cited by Labcorp Genetics (formerly Invitae), Labcorp).